The following is an entry in ClinVar:

ClinVar aggregate classification (germline): Conflicting classifications of pathogenicity. Review status: criteria provided, conflicting classifications (1 of 4 stars). 4 submissions from 4 submitters: Uncertain significance (1); Likely benign (3). Last evaluated 2024-11-22.

Allele frequency attached by ClinVar (database versions not stated): gnomAD exomes 0.00001; TOPMed 0.00001; gnomAD 0.00002.
gnomAD v4.1: 18 of 1,613,996 alleles (0.0011%); highest among the groups gnomAD compares: Non-Finnish European, 0.0014%; no homozygotes.

Submissions (4):

Labcorp Genetics (formerly Invitae), Labcorp
Classification: Likely benign. Last evaluated: 2024-11-22. Review status: criteria provided, single submitter. Criteria: Invitae Variant Classification Sherloc (09022015). Collection method: clinical testing. Allele origin: germline.

Blueprint Genetics
Classification: Likely benign. Last evaluated: 2024-10-28. Review status: criteria provided, single submitter. Criteria: ACMG Guidelines, 2015. Collection method: clinical testing. Allele origin: germline.

Revvity Omics, Revvity
Classification: Uncertain significance. Last evaluated: 2021-02-18. Review status: criteria provided, single submitter. Criteria: ACMG Guidelines, 2015. Collection method: clinical testing. Allele origin: germline.

GeneDx
Classification: Likely benign. Last evaluated: 2018-03-12. Review status: criteria provided, single submitter. Criteria: GeneDx Variant Classification (06012015). Collection method: clinical testing. Allele origin: germline. Affected: yes.
Comment: This variant is considered likely benign or benign based on one or more of the following criteria: it is a conservative change, it occurs at a poorly conserved position in the protein, it is predicted to be benign by multiple in silico algorithms, and/or has population frequency not consistent with disease.

NM_015404.4(WHRN):c.2655C>T (p.Ala885=)

Gene: WHRN (whirlin; minus strand). Cytogenetic location: 9q32.
Variant type: single nucleotide variant.
Coding change: c.2655C>T on transcript NM_015404.4 (MANE Select); coding-DNA position 2655, C replaced by T.
Protein change: p.Ala885=; no amino-acid change (alanine 885 retained).
Molecular consequence: synonymous variant.
Genome position (GRCh38, 1-based): chr9:114,402,823, G>A on the plus strand (C>T on the coding strand, the complement: WHRN is on the minus strand). VCF-style: chr9-114402823-G-A. GRCh37 (hg19) VCF-style: chr9-117165103-G-A.
Other names: c.1506C>T, p.Ala502= (NM_001083885.3); c.2652C>T, p.Ala884= (NM_001173425.2); c.1602C>T, p.Ala534= (NM_001346890.1).
Identifiers: ClinVar variation 680230 (VCV000680230.7), dbSNP rs775402871, ClinGen allele CA466910813.
Genomic context (GRCh38, chr9:114,402,823, plus strand): 5'-CACATTGAACTCAGTGACCAGAAAGTCAATGTAGTCACGGTCCTTAGTCTTGAAGGCCTC[G>A]GCGATAATGCGGGCGGCCTCCCGGTGCTCCTTGCCCCGAAGCGTCAGCCCATTCACTTCC-3'
Protein context (NP_056219.3, residues 875-895): KEHREAARII[Ala885=]EAFKTKDRDY